The following is an entry in ClinVar:

NM_033305.3(VPS13A):c.8035+1G>A

Gene: VPS13A (vacuolar protein sorting 13 homolog A; plus strand). Cytogenetic location: 9q21.2.
Variant type: single nucleotide variant.
Coding change: c.8035+1G>A on transcript NM_033305.3 (MANE Select); the canonical splice donor site of the intron after coding-DNA position 8035, G replaced by A.
Molecular consequence: splice donor variant.
Genome position (GRCh38, 1-based): chr9:77,358,439, G>A. VCF-style: chr9-77358439-G-A. GRCh37 (hg19) VCF-style: chr9-79973355-G-A.
Other names: c.7918+1G>A (NM_001018037.2); c.8035+1G>A (NM_015186.4, NM_001018038.3).
Identifiers: ClinVar variation 1487153 (VCV001487153.8), dbSNP rs1244227519, ClinGen allele CA373859812.

ClinVar aggregate classification (germline): Likely pathogenic (1 of 4 stars; one submission).

Allele frequency attached by ClinVar (database versions not stated): gnomAD exomes below 0.00001 and 0.00001; TOPMed below 0.00001; gnomAD 0.00001.
gnomAD v4.1: 4 of 1,611,202 alleles (0.00025%); highest among the groups gnomAD compares: East Asian, 0.0022%; no homozygotes.

Submission:

Labcorp Genetics (formerly Invitae), Labcorp
Classification: Likely pathogenic. Last evaluated: 2023-06-07. Review status: criteria provided, single submitter. Criteria: Invitae Variant Classification Sherloc (09022015). Collection method: clinical testing. Allele origin: germline.
Comment: In summary, the currently available evidence indicates that the variant is pathogenic, but additional data are needed to prove that conclusively. Therefore, this variant has been classified as Likely Pathogenic. Algorithms developed to predict the effect of sequence changes on RNA splicing suggest that this variant may disrupt the consensus splice site. ClinVar contains an entry for this variant (Variation ID: 1487153). This variant has not been reported in the literature in individuals affected with VPS13A-related conditions. This variant is present in population databases (no rsID available, gnomAD 0.006%). This sequence change affects a donor splice site in intron 57 of the VPS13A gene. It is expected to disrupt RNA splicing. Variants that disrupt the donor or acceptor splice site typically lead to a loss of protein function (PMID: 16199547), and loss-of-function variants in VPS13A are known to be pathogenic (PMID: 12404112, 21598378).

Literature cited by the submitters: PubMed 16199547; PubMed 12404112; PubMed 21598378.